The following is an entry in ClinVar:

NM_001277115.2(DNAH11):c.1885C>T (p.Pro629Ser)

Gene: DNAH11 (dynein axonemal heavy chain 11; plus strand). Cytogenetic location: 7p15.3.
Variant type: single nucleotide variant.
Coding change: c.1885C>T on transcript NM_001277115.2 (MANE Select); coding-DNA position 1885, C replaced by T.
Protein change: p.Pro629Ser; replaces proline 629 with serine.
Molecular consequence: missense variant.
Genome position (GRCh38, 1-based): chr7:21,588,548, C>T. VCF-style: chr7-21588548-C-T. GRCh37 (hg19) VCF-style: chr7-21628166-C-T.
Other names: short protein forms P629S.
Identifiers: ClinVar variation 257875 (VCV000257875.19), dbSNP rs150966144, ClinGen allele CA4179142.

ClinVar aggregate classification (germline): Benign/Likely benign. Review status: criteria provided, multiple submitters, no conflicts (2 of 4 stars). 4 submissions from 4 submitters: Benign (3); Likely benign (1). Last evaluated 2026-01-28.

Conditions:
Primary ciliary dyskinesia 7. Also called: CILIARY DYSKINESIA, PRIMARY, 7, WITH OR WITHOUT SITUS INVERSUS. Identifiers: Orphanet 244, MedGen C2678473, MONDO:0012748, OMIM 611884.
Primary ciliary dyskinesia. Also called: Ciliary dyskinesia. Identifiers: Orphanet 244, MedGen C0008780, MONDO:0016575, HP:0012265.

Allele frequency attached by ClinVar (database versions not stated): gnomAD exomes 0.00047 and 0.00134; ExAC 0.00142; ESP Exome Variant Server 0.00359; gnomAD 0.00468 and 0.00490; TOPMed 0.00543; 1000 Genomes Project 0.00799; 1000 Genomes Project 30x 0.00937.
gnomAD v4.1: 1,444 of 1,613,444 alleles (0.089%); highest among the groups gnomAD compares: African/African-American, 1.6%; 12 homozygotes.

Submissions (4):

Labcorp Genetics (formerly Invitae), Labcorp
Classification: Benign for Primary ciliary dyskinesia. Last evaluated: 2026-01-28. Review status: criteria provided, single submitter. Criteria: Invitae Variant Classification Sherloc (09022015). Collection method: clinical testing. Allele origin: germline.

Illumina Laboratory Services, Illumina
Classification: Likely benign for Primary ciliary dyskinesia 7. Last evaluated: 2018-01-13. Review status: criteria provided, single submitter. Criteria: ICSL Variant Classification Criteria 13 December 2019. Collection method: clinical testing. Allele origin: germline.
Comment: This variant was observed in the ICSL laboratory as part of a predisposition screen in an ostensibly healthy population. It had not been previously curated by ICSL or reported in the Human Gene Mutation Database (HGMD: prior to June 1st, 2018), and was therefore a candidate for classification through an automated scoring system. Utilizing variant allele frequency, disease prevalence and penetrance estimates, and inheritance mode, an automated score was calculated to assess if this variant is too frequent to cause the disease. Based on the score and internal cut-off values, a variant classified as likely benign is not then subjected to further curation. The score for this variant resulted in a classification of likely benign for this disease.

Ambry Genetics
Classification: Benign for Primary ciliary dyskinesia. Last evaluated: 2015-10-20. Review status: criteria provided, single submitter. Criteria: Ambry Variant Classification Scheme 2023. Collection method: clinical testing. Allele origin: germline.

PreventionGenetics, part of Exact Sciences
Classification: Benign. Review status: criteria provided, single submitter. Criteria: ACMG Guidelines, 2015. Collection method: clinical testing. Allele origin: germline.